The following is an entry in ClinVar:

ClinVar aggregate classification (germline): Likely benign (0 of 4 stars; one submission).

Conditions:
WNT7A-related disorder. Also called: WNT7A-related condition.

Allele frequency attached by ClinVar (database versions not stated): gnomAD exomes below 0.00001; TOPMed below 0.00001; ExAC 0.00002; gnomAD 0.00002.
gnomAD v4.1: 9 of 1,614,024 alleles (0.00056%); highest among the groups gnomAD compares: East Asian, 0.018%; no homozygotes.

Submission:

PreventionGenetics, part of Exact Sciences
Classification: Likely benign for WNT7A-related condition. Last evaluated: 2019-11-04. Review status: no assertion criteria provided. Collection method: clinical testing. Allele origin: germline.
Comment: This variant is classified as likely benign based on ACMG/AMP sequence variant interpretation guidelines (Richards et al. 2015 PMID: 25741868, with internal and published modifications).

NM_004625.4(WNT7A):c.408G>A (p.Glu136=)

Genes: WNT7A (Wnt family member 7A; minus strand), LOC126806608 (P300/CBP strongly-dependent group 1 enhancer GRCh37_chr3:13895244-13896443; plus strand). Cytogenetic location: 3p25.1.
Variant type: single nucleotide variant.
Coding change: c.408G>A on transcript NM_004625.4 (MANE Select); coding-DNA position 408, G replaced by A.
Protein change: p.Glu136=; no amino-acid change (glutamic acid 136 retained).
Molecular consequence: synonymous variant.
Genome position (GRCh38, 1-based): chr3:13,854,694, C>T on the plus strand (G>A on the coding strand, the complement: WNT7A is on the minus strand). VCF-style: chr3-13854694-C-T. GRCh37 (hg19) VCF-style: chr3-13896191-C-T.
Identifiers: ClinVar variation 3045883 (VCV003045883.2), dbSNP rs759663787, ClinGen allele CA2266452.